The following is an entry in ClinVar:

ClinVar aggregate classification (germline): Benign (1 of 4 stars; one submission).

Conditions:
MELAS syndrome (MELAS). Also called: Juvenile myopathy, encephalopathy, lactic acidosis, stroke. Identifiers: Orphanet 550, MedGen C0162671, MONDO:0010789, OMIM 540000.

Submission:

Wong Mito Lab, Molecular and Human Genetics, Baylor College of Medicine
Classification: Benign for MELAS syndrome. Last evaluated: 2019-07-12. Review status: criteria provided, single submitter. Criteria: Modified ACMG Guidelines (Unpublished). Collection method: clinical testing. Allele origin: germline.
Comment: The NC_012920.1:m.3278T>C variant in MT-TL1 gene is interpreted to be a Benign variant based on the modified ACMG guidelines (unpublished). This variant meets the following evidence codes reported in the guidelines: BS1, BS4, BP4

Literature cited by the submitters: PubMed 31965079.

NC_012920.1(MT-TL1):m.3278T>C

Gene: MT-TL1 (mitochondrially encoded tRNA leucine 1 (UUA/G); plus strand).
Variant type: single nucleotide variant.
Genome position: chrM-3278-T-C.
Identifiers: ClinVar variation 689869 (VCV000689869.1), dbSNP rs1603218868, ClinGen allele CA913169095.